The following is an entry in ClinVar:

NM_181507.2(HPS5):c.*300T>C

Gene: HPS5 (HPS5 biogenesis of lysosomal organelles complex 2 subunit 2; minus strand). Cytogenetic location: 11p15.1.
Variant type: single nucleotide variant.
Coding change: c.*300T>C on transcript NM_181507.2 (MANE Select); 300 bases downstream of the stop codon, T replaced by C.
Molecular consequence: 3 prime UTR variant.
Genome position (GRCh38, 1-based): chr11:18,279,582, A>G on the plus strand (T>C on the coding strand, the complement: HPS5 is on the minus strand). VCF-style: chr11-18279582-A-G. GRCh37 (hg19) VCF-style: chr11-18301129-A-G.
Other names: c.*300T>C (NM_007216.4, NM_181508.2).
Identifiers: ClinVar variation 303861 (VCV000303861.9), dbSNP rs12416821, ClinGen allele CA10638653.
Genomic context (GRCh38, chr11:18,279,582, plus strand): 5'-TGGAAGCCACAGTAAGAAAAGAATCTGTCTAATCCACTAGCAACAAGCAGTTAATACTGT[A>G]GTTCGGAATAATACTAGGACATTAACATTCTAATTCCAGCAAACAAGGACTGACTCTTTT-3'

ClinVar aggregate classification (germline): Benign. Review status: criteria provided, multiple submitters, no conflicts (2 of 4 stars). 3 submissions from 3 submitters: Benign (3). Last evaluated 2018-11-12.

Conditions:
Hermansky-Pudlak syndrome 5 (HPS5). Identifiers: Orphanet 231512, Orphanet 79430, MedGen C3888004, MONDO:0013557, OMIM 614074.

Allele frequency attached by ClinVar (database versions not stated): gnomAD exomes 0.31312; TOPMed 0.33598; gnomAD 0.33705 and 0.33782; 1000 Genomes Project 30x 0.35447; 1000 Genomes Project 0.35623.
gnomAD v4.1: 133,705 of 416,040 alleles (32%); highest among the groups gnomAD compares: African/African-American, 41%; 22,195 homozygotes.

Submissions (3):

GeneDx
Classification: Benign. Last evaluated: 2018-11-12. Review status: criteria provided, single submitter. Criteria: GeneDx Variant Classification Process June 2021. Collection method: clinical testing. Allele origin: germline. Affected: yes.

Illumina Laboratory Services, Illumina
Classification: Benign for Hermansky-Pudlak syndrome 5. Last evaluated: 2018-01-13. Review status: criteria provided, single submitter. Criteria: ICSL Variant Classification Criteria 13 December 2019. Collection method: clinical testing. Allele origin: germline.
Comment: This variant was observed in the ICSL laboratory as part of a predisposition screen in an ostensibly healthy population. It had not been previously curated by ICSL or reported in the Human Gene Mutation Database (HGMD: prior to June 1st, 2018), and was therefore a candidate for classification through an automated scoring system. Utilizing variant allele frequency, disease prevalence and penetrance estimates, and inheritance mode, an automated score was calculated to assess if this variant is too frequent to cause the disease. Based on the score and internal cut-off values, a variant classified as benign is not then subjected to further curation. The score for this variant resulted in a classification of benign for this disease.

Breakthrough Genomics
Classification: Benign. Review status: criteria provided, single submitter. Criteria: ACMG Guidelines, 2015. Collection method: not provided. Allele origin: germline. Inheritance: Autosomal recessive inheritance. Affected: yes.